The following is an entry in ClinVar:

NM_000548.5(TSC2):c.507T>C (p.Asp169=)

Gene: TSC2 (TSC complex subunit 2; plus strand). Cytogenetic location: 16p13.3.
Variant type: single nucleotide variant.
Coding change: c.507T>C on transcript NM_000548.5 (MANE Select); coding-DNA position 507, T replaced by C.
Protein change: p.Asp169=; no amino-acid change (aspartic acid 169 retained).
Molecular consequence: synonymous variant. On other transcripts: 5 prime UTR variant (13), non-coding transcript variant (5), intron variant (6).
Genome position (GRCh38, 1-based): chr16:2,055,427, T>C. VCF-style: chr16-2055427-T-C. GRCh37 (hg19) VCF-style: chr16-2105428-T-C.
Other names: c.507T>C, p.Asp169= (NM_001077183.3, NM_001114382.3, NM_001363528.2 and 8 more transcripts); c.396T>C, p.Asp132= (NM_001318827.2, NM_001406670.1, NM_001406678.1); c.360T>C, p.Asp120= (NM_001318829.2, NM_001406675.1, NM_001406676.1 and 1 more transcripts); c.540T>C, p.Asp180= (NM_001318832.2); c.597T>C, p.Asp199= (NM_001406667.1, NM_001406668.1); c.450T>C, p.Asp150= (NM_001406677.1); c.-310T>C (NM_001406680.1, NM_001406683.1, NM_001406687.1); c.45T>C, p.Asp15= (NM_001406681.1); and 6 more.
Identifiers: ClinVar variation 2037979 (VCV002037979.5), dbSNP rs1257599991, ClinGen allele CA492955768.

ClinVar aggregate classification (germline): Conflicting classifications of pathogenicity. Review status: criteria provided, conflicting classifications (1 of 4 stars). 2 submissions from 2 submitters: Uncertain significance (1); Likely benign (1). Last evaluated 2026-03-12.

Conditions:
Hereditary cancer-predisposing syndrome. Also called: Neoplastic Syndromes, Hereditary; Tumor predisposition; Hereditary Cancer Syndrome; Hereditary neoplastic syndrome. Identifiers: Orphanet 140162, MedGen C0027672, MeSH D009386, MONDO:0015356.
Tuberous sclerosis 2 (TSC2). Identifiers: Orphanet 805, MedGen C1860707, MONDO:0013199, OMIM 613254.

Allele frequency attached by ClinVar (database versions not stated): gnomAD exomes below 0.00001.
gnomAD v4.1: 2 of 1,614,218 alleles (0.00012%); highest among the groups gnomAD compares: South Asian, 0.0011%; no homozygotes.

Submissions (2):

Ambry Genetics
Classification: Uncertain significance for Hereditary cancer-predisposing syndrome. Last evaluated: 2026-03-12. Review status: criteria provided, single submitter. Criteria: Ambry Variant Classification Scheme 2023. Collection method: clinical testing. Allele origin: germline.
Comment: The c.507T>C variant (also known as p.D169D), located in coding exon 5 of the TSC2 gene, results from a T to C substitution at nucleotide position 507. This nucleotide substitution does not change the amino acid at codon 169. This nucleotide position is not well conserved in available vertebrate species. In silico splice site analysis for this alteration is inconclusive, and direct evidence is insufficient at this time (Ambry internal data). Based on the available evidence, the clinical significance of this variant remains unclear.

Labcorp Genetics (formerly Invitae), Labcorp
Classification: Likely benign for Tuberous sclerosis 2. Last evaluated: 2021-12-19. Review status: criteria provided, single submitter. Criteria: Invitae Variant Classification Sherloc (09022015). Collection method: clinical testing. Allele origin: germline.